The following is an entry in ClinVar:

ClinVar aggregate classification (germline): Uncertain significance (1 of 4 stars; one submission).

Allele frequency attached by ClinVar (database versions not stated): TOPMed below 0.00001.

Submission:

Labcorp Genetics (formerly Invitae), Labcorp
Classification: Uncertain significance. Last evaluated: 2022-02-28. Review status: criteria provided, single submitter. Criteria: Invitae Variant Classification Sherloc (09022015). Collection method: clinical testing. Allele origin: germline.
Comment: This sequence change replaces glycine, which is neutral and non-polar, with arginine, which is basic and polar, at codon 1230 of the CEP250 protein (p.Gly1230Arg). This variant is not present in population databases (gnomAD no frequency). This variant has not been reported in the literature in individuals affected with CEP250-related conditions. Algorithms developed to predict the effect of missense changes on protein structure and function are either unavailable or do not agree on the potential impact of this missense change (SIFT: "Not Available"; PolyPhen-2: "Benign"; Align-GVGD: "Not Available"). In summary, the available evidence is currently insufficient to determine the role of this variant in disease. Therefore, it has been classified as a Variant of Uncertain Significance.

NM_007186.6(CEP250):c.3688G>A (p.Gly1230Arg)

Gene: CEP250 (centrosomal protein 250; plus strand). Cytogenetic location: 20q11.22.
Variant type: single nucleotide variant.
Coding change: c.3688G>A on transcript NM_007186.6 (MANE Select); coding-DNA position 3688, G replaced by A.
Protein change: p.Gly1230Arg; replaces glycine 1230 with arginine.
Molecular consequence: missense variant.
Genome position (GRCh38, 1-based): chr20:35,498,627, G>A. VCF-style: chr20-35498627-G-A. GRCh37 (hg19) VCF-style: chr20-34086456-G-A.
Other names: c.1792G>A, p.Gly598Arg (NM_001318219.1); short protein forms G1230R, G598R.
Identifiers: ClinVar variation 2176353 (VCV002176353.1), dbSNP rs1311835339, ClinGen allele CA408745074.
Genomic context (GRCh38, chr20:35,498,627, plus strand): 5'-GGTAAGGAGGTTTTCCTCATTTTTTCAGACCAGAATGGAGCTAGGAGCCTCTTTAAGAGA[G>A]GGCCCCTGCTGACTGCTCTCTCCGCTGAGGCAGTAGCATCTGCCCTCCACAAGCTTCATC-3'
Protein context (NP_009117.2, residues 1220-1240): QNGARSLFKR[Gly1230Arg]PLLTALSAEA